The following is an entry in ClinVar:

ClinVar aggregate classification (germline): Conflicting classifications of pathogenicity. Review status: criteria provided, conflicting classifications (1 of 4 stars). 4 submissions from 3 submitters: Uncertain significance (1); Likely benign (3). Last evaluated 2024-02-25.

Conditions:
Usher syndrome type 2A. Also called: RETINAL DISEASE IN USHER SYNDROME TYPE IIA, MODIFIER OF; USHER SYNDROME, TYPE IIA. Identifiers: Orphanet 231178, Orphanet 886, MedGen C1848634, MONDO:0010169, OMIM 276901.
Retinitis pigmentosa 39 (RP39). Identifiers: Orphanet 791, MedGen C3151138, MONDO:0013436, OMIM 613809.

Submissions (4):

Labcorp Genetics (formerly Invitae), Labcorp
Classification: Likely benign. Last evaluated: 2024-02-25. Review status: criteria provided, single submitter. Criteria: Invitae Variant Classification Sherloc (09022015). Collection method: clinical testing. Allele origin: germline.

GeneDx
Classification: Uncertain significance. Last evaluated: 2023-11-14. Review status: criteria provided, single submitter. Criteria: GeneDx Variant Classification Process June 2021. Collection method: clinical testing. Allele origin: germline. Affected: yes.
Comment: Not observed at significant frequency in large population cohorts (gnomAD); In silico analysis supports a deleterious effect on splicing; Has not been previously published as pathogenic or benign to our knowledge

Genome-Nilou Lab
Classification: Likely benign for Retinitis pigmentosa 39. Last evaluated: 2023-04-11. Review status: criteria provided, single submitter. Criteria: ACMG Guidelines, 2015. Collection method: clinical testing. Allele origin: germline. Affected: no.

Genome-Nilou Lab
Classification: Likely benign for Usher syndrome type 2A. Last evaluated: 2023-04-11. Review status: criteria provided, single submitter. Criteria: ACMG Guidelines, 2015. Collection method: clinical testing. Allele origin: germline. Affected: no.

NM_206933.4(USH2A):c.14134-9T>C

Gene: USH2A (usherin; minus strand). Cytogenetic location: 1q41.
Variant type: single nucleotide variant.
Coding change: c.14134-9T>C on transcript NM_206933.4 (MANE Select); 9 bases into the intron before coding-DNA position 14134, T replaced by C.
Molecular consequence: intron variant.
Genome position (GRCh38, 1-based): chr1:215,650,810, A>G on the plus strand (T>C on the coding strand, the complement: USH2A is on the minus strand). VCF-style: chr1-215650810-A-G. GRCh37 (hg19) VCF-style: chr1-215824152-A-G.
Identifiers: ClinVar variation 514989 (VCV000514989.11), dbSNP rs899521308, ClinGen allele CA37392676.